The following is an entry in ClinVar:

NC_000016.9:g.(?_1244952)_(1246043_?)dup

Gene: CACNA1H (calcium voltage-gated channel subunit alpha1 H; plus strand). Cytogenetic location: 16p13.3.
Variant type: Duplication.
Identifiers: ClinVar variation 2426667 (VCV002426667.4).

ClinVar aggregate classification (germline): Uncertain significance (1 of 4 stars; one submission).

Conditions:
Hyperaldosteronism, familial, type IV (HALD4). Also called: FH IV; ALDOSTERONISM, PRIMARY, AND HYPERTENSION. Identifiers: Orphanet 642671, MedGen C4310756, MONDO:0014875, OMIM 617027.
Idiopathic generalized epilepsy. Also called: EIG; Generalised epilepsy. Identifiers: MedGen C0270850, MONDO:0005579, OMIM 600669.

Submission:

Labcorp Genetics (formerly Invitae), Labcorp
Classification: Uncertain significance for Idiopathic generalized epilepsy; Hyperaldosteronism, familial, type IV. Last evaluated: 2023-07-10. Review status: criteria provided, single submitter. Criteria: Invitae Variant Classification Sherloc (09022015). Collection method: clinical testing. Allele origin: germline.
Comment: This variant results in a copy number gain of the genomic region encompassing exon(s) 3-5 of the CACNA1H gene. While the exact position of this variant cannot be determined from the data, sub-genic copy number gains are generally in tandem (PMID: 25640679). This variant is predicted to be out-of-frame, and may result in an absent or disrupted protein product. However, the current clinical and genetic evidence is not sufficient to establish whether loss-of-function variants in CACNA1H cause disease. This variant has not been reported in the literature in individuals affected with CACNA1H-related conditions. In summary, the available evidence is currently insufficient to determine the role of this variant in disease. Therefore, it has been classified as a Variant of Uncertain Significance.

Literature cited by the submitters: PubMed 25640679.